The following is an entry in ClinVar:

NM_020821.3(VPS13C):c.6803A>G (p.Glu2268Gly)

Gene: VPS13C (vacuolar protein sorting 13 homolog C; minus strand). Cytogenetic location: 15q22.2.
Variant type: single nucleotide variant.
Coding change: c.6803A>G on transcript NM_020821.3 (MANE Select); coding-DNA position 6803, A replaced by G.
Protein change: p.Glu2268Gly; replaces glutamic acid 2268 with glycine.
Molecular consequence: missense variant.
Genome position (GRCh38, 1-based): chr15:61,922,569, T>C on the plus strand (A>G on the coding strand, the complement: VPS13C is on the minus strand). VCF-style: chr15-61922569-T-C. GRCh37 (hg19) VCF-style: chr15-62214768-T-C.
Other names: p.Glu2268Gly; c.6803A>G, p.Glu2268Gly (NM_001018088.3); c.6674A>G, p.Glu2225Gly (NM_017684.5, NM_018080.4); short protein forms E2225G, E2268G.
Identifiers: ClinVar variation 4541958 (VCV004541958.1).

ClinVar aggregate classification (germline): Uncertain significance (1 of 4 stars; one submission).

Submission:

Mayo Clinic Laboratories, Mayo Clinic
Classification: Uncertain significance. Last evaluated: 2025-05-15. Review status: criteria provided, single submitter. Criteria: ACMG Guidelines, 2015. Collection method: clinical testing. Allele origin: germline. Observed: 1 variant allele.
Comment: BP4_moderate, PM2_supporting